The following is an entry in ClinVar:

ClinVar aggregate classification (germline): Pathogenic/Likely pathogenic. Review status: criteria provided, multiple submitters, no conflicts (2 of 4 stars). 13 submissions from 12 submitters: Pathogenic (1); Likely pathogenic (9). 3 of the submissions do not count toward it. Last evaluated 2026-02-03.

Conditions:
CFTR-related disorder (CFTR-RD). Also called: CFTR-related condition; CFTR-related disorders. Identifiers: MedGen C5924204, MONDO:7770004.
Congenital bilateral aplasia of vas deferens from CFTR mutation (CBAVD). Identifiers: Orphanet 48, MedGen C0403814, MONDO:0010178, OMIM 277180. Disease mechanism: loss of function.
Cystic fibrosis (CF). Also called: MUCOVISCIDOSIS. Identifiers: Orphanet 586, MedGen C0010674, MONDO:0009061, OMIM 219700. Disease mechanism: loss of function.
Bronchiectasis with or without elevated sweat chloride 1 (BESC1). Also called: Cystic Fibrosis-Like Syndrome. Identifiers: Orphanet 60033, MedGen C2749757, MONDO:0008887, OMIM 211400.
Hereditary pancreatitis (PCTT). Also called: PRSS1-Related Hereditary Pancreatitis; Hereditary chronic pancreatitis. Identifiers: Orphanet 676, MedGen C0238339, MONDO:0008185, OMIM 167800.

Allele frequency attached by ClinVar (database versions not stated): ExAC 0.00003; gnomAD exomes 0.00005; TOPMed 0.00005; gnomAD 0.00007 and 0.00006.
gnomAD v4.1: 38 of 1,597,688 alleles (0.0024%); highest among the groups gnomAD compares: Admixed American, 0.018%; no homozygotes.

Submissions (13):

GeneDx
Classification: Likely pathogenic. Last evaluated: 2026-02-03. Review status: criteria provided, single submitter. Criteria: GeneDx Variant Classification Process June 2021. Collection method: clinical testing. Allele origin: germline.
Comment: Identified with a pathogenic CFTR variant, phase unknown, in an individual with CBAVD (PMID: 9598638); Published functional studies demonstrate a damaging effect on channel opening similar to that of a pathogenic CFTR variant (PMID: 11788611); In silico analysis supports that this missense variant has a deleterious effect on protein structure/function; This variant is associated with the following publications: (PMID: 10923036, 21520337, 9598638, 21228398, 31523618, 1380943, 23891399, 33169015, 11788611)

Labcorp Genetics (formerly Invitae), Labcorp
Classification: Likely pathogenic for Cystic fibrosis. Last evaluated: 2026-01-12. Review status: criteria provided, single submitter. Criteria: Invitae Variant Classification Sherloc (09022015). Collection method: clinical testing. Allele origin: germline.
Comment: This sequence change replaces asparagine, which is neutral and polar, with isoleucine, which is neutral and non-polar, at codon 1303 of the CFTR protein (p.Asn1303Ile). This variant is present in population databases (rs397508636, gnomAD 0.02%). This missense change has been observed in individuals with CFTR-related conditions (PMID: 9598638, 10923036). ClinVar contains an entry for this variant (Variation ID: 53846). Invitae Evidence Modeling of protein sequence and biophysical properties (such as structural, functional, and spatial information, amino acid conservation, physicochemical variation, residue mobility, and thermodynamic stability) indicates that this missense variant is expected to disrupt CFTR protein function with a positive predictive value of 80%. Experimental studies have shown that this missense change affects CFTR function (PMID: 11788611). This variant disrupts the p.Asn1303 amino acid residue in CFTR. Other variant(s) that disrupt this residue have been determined to be pathogenic (PMID: 21520337, 23951356, 23974870). This suggests that this residue is clinically significant, and that variants that disrupt this residue are likely to be disease-causing. In summary, the currently available evidence indicates that the variant is pathogenic, but additional data are needed to prove that conclusively. Therefore, this variant has been classified as Likely Pathogenic.

Ambry Genetics
Classification: Likely pathogenic for Cystic fibrosis. Last evaluated: 2026-01-05. Review status: criteria provided, single submitter. Criteria: Ambry Variant Classification Scheme 2023. Collection method: clinical testing. Allele origin: germline.
Comment: The p.N1303I variant (also known as c.3908A>T), located in coding exon 24 of the CFTR gene, results from an A to T substitution at nucleotide position 3908. The asparagine at codon 1303 is replaced by isoleucine, an amino acid with dissimilar properties. This variant has been identified in the homozygous state and/or in conjunction with other CFTR variant(s) in individual(s) with features consistent with cystic fibrosis (Ambry internal data). In an assay testing CFTR function, this variant showed a functionally abnormal result (Bihler H et al. J Cyst Fibros, 2024 Jul;23:664-675). This amino acid position is highly conserved in available vertebrate species. In addition, this alteration is predicted to be deleterious by in silico analysis. Based on the majority of available evidence to date, this variant is likely to be pathogenic.

Natera, Inc.
Classification: Likely pathogenic for CFTR-related disorders. Last evaluated: 2025-10-07. Review status: criteria provided, single submitter. Criteria: Natera Variant Classification Schema (03/2026). Collection method: clinical testing. Allele origin: germline.
Comment: The c.3908A>T variant in CFTR is a missense variant predicted to cause substitution of asparagine to isoleucine at amino acid 1303. This variant is rare in the general population with a frequency below the threshold expected for the associated phenotype(s). This variant has been observed in one or more individuals affected with the associated recessive disease, as either homozygous or compound heterozygous with a second variant (PMID: 39482189). Functional studies show that this variant may disrupt protein function (PMID: 38388235). A different variant at the same position has been determined to be Pathogenic or Likely Pathogenic. Computational prediction algorithms indicate this variant is likely to affect gene or protein function. Given the available evidence, this variant is classified as Likely Pathogenic.

Women's Health and Genetics/Laboratory Corporation of America, LabCorp
Classification: Likely pathogenic for Cystic fibrosis. Last evaluated: 2024-03-01. Review status: criteria provided, single submitter. Criteria: LabCorp Variant Classification Summary - May 2015. Collection method: clinical testing. Allele origin: germline.
Comment: Variant summary: CFTR c.3908A>T (p.Asn1303Ile) results in a non-conservative amino acid change located in the ABC transporter-like, ATP-binding domain (IPR003439) of the encoded protein sequence. Five of five in-silico tools predict a damaging effect of the variant on protein function. The variant allele was found at a frequency of 4.8e-05 in 249628 control chromosomes. This frequency is not significantly higher than estimated for a pathogenic variant in CFTR causing Cystic Fibrosis (4.8e-05 vs 0.013), allowing no conclusion about variant significance. c.3908A>T has been reported in the literature in at-least two individuals affected with Cystic Fibrosis and Congenital Bilateral Absence of the Vas Deferens (example, Clausters_2000). These data indicate that the variant may be associated with disease. At least one publication reports experimental evidence evaluating an impact on protein function. The most pronounced variant effect results in a long burst duration and a long interburst interval of CFTR gating via patch-clamp electrophysiology (Berger_2002). Additionally, other variants at the Asn1303 residue have been reported as associated with disease (p.Asn1303Lys), suggesting that this codon is functionally important. The following publications have been ascertained in the context of this evaluation (PMID: 11788611, 10923036, 21520337). ClinVar contains an entry for this variant (Variation ID: 53846). Based on the evidence outlined above, the variant was classified as likely pathogenic.

Baylor Genetics
Classification: Likely pathogenic for Bronchiectasis with or without elevated sweat chloride 1. Last evaluated: 2024-01-04. Review status: criteria provided, single submitter. Criteria: ACMG Guidelines, 2015. Collection method: clinical testing. Allele origin: unknown.

Institute of Human Genetics, University of Leipzig Medical Center
Classification: Likely pathogenic for Cystic fibrosis. Last evaluated: 2022-09-05. Review status: criteria provided, single submitter. Criteria: ACMG Guidelines, 2015. Collection method: curation. Allele origin: unknown. Affected: yes. Observed: 1 variant allele.
Comment: The variant was classified in the context of a project re-classifying variants in the German Cystic Fibrosis Registry (Muko.e.V.). Criteria applied: PS3_SUP, PM2_SUP, PM3, PM5_STR, PP3

CFTR-France
Classification: Pathogenic for CFTR-related disorders. Last evaluated: 2018-03-26. Review status: criteria provided, single submitter. Criteria: Claustres M et al. (Hum Mutat 2017). Collection method: curation. Allele origin: germline. Affected: yes.

Baylor Genetics
Classification: Likely pathogenic for Congenital bilateral aplasia of vas deferens from CFTR mutation; Cystic fibrosis. Review status: criteria provided, single submitter. Criteria: ACMG Guidelines, 2015. Collection method: clinical testing. Allele origin: germline.

Juno Genomics, Hangzhou Juno Genomics, Inc
Classification: Likely pathogenic for Bronchiectasis with or without elevated sweat chloride 1; Hereditary pancreatitis; Congenital bilateral aplasia of vas deferens from CFTR mutation; Cystic fibrosis. Review status: criteria provided, single submitter. Criteria: ACMG Guidelines, 2015. Collection method: clinical testing. Allele origin: germline. Affected: yes.
Comment: Absent from controls (or at extremely low frequency if recessive) in Genome Aggregation Database, Exome Sequencing Project, 1000 Genomes Project, or Exome Aggregation Consortium.;Well-established in vitro or in vivo functional studies supportive of a damaging effect on the gene or gene product.;For recessive disorders, detected in trans with a pathogenic variant.;Patient's phenotype or family history is highly specific for a disease with a single genetic etiology.;Novel missense change at an amino acid residue where a different missense change determined to be pathogenic has been seen before.

ClinVar Staff, National Center for Biotechnology Information (NCBI)
No classification provided. Condition: CFTR-related disorders. Review status: no classification provided. Collection method: literature only. Allele origin: germline. Affected: yes. Not counted in ClinVar's aggregate classification.

Clinical Genetics DNA and cytogenetics Diagnostics Lab, Erasmus MC, Erasmus Medical Center
Classification: Pathogenic. Review status: no assertion criteria provided. Collection method: clinical testing. Allele origin: germline. Affected: yes. Study: VKGL Data-share Consensus. Not counted in ClinVar's aggregate classification.

Diagnostic Laboratory, Department of Genetics, University Medical Center Groningen
Classification: Pathogenic. Review status: no assertion criteria provided. Collection method: clinical testing. Allele origin: germline. Affected: yes. Study: VKGL Data-share Consensus. Not counted in ClinVar's aggregate classification.

Literature cited by the submitters: PubMed 9598638 (cited by Labcorp Genetics (formerly Invitae), Labcorp); PubMed 10923036 (cited by Labcorp Genetics (formerly Invitae), Labcorp and Women's Health and Genetics/Laboratory Corporation of America, LabCorp); PubMed 11788611 (cited by Labcorp Genetics (formerly Invitae), Labcorp and Women's Health and Genetics/Laboratory Corporation of America, LabCorp); PubMed 21520337 (cited by Labcorp Genetics (formerly Invitae), Labcorp and Women's Health and Genetics/Laboratory Corporation of America, LabCorp); PubMed 23951356 (cited by Labcorp Genetics (formerly Invitae), Labcorp); PubMed 23974870 (cited by Labcorp Genetics (formerly Invitae), Labcorp); PubMed 38388235 (cited by Ambry Genetics and Natera, Inc.); PubMed 39482189 (cited by Natera, Inc.); PubMed 11379874 (cited by ClinVar Staff, National Center for Biotechnology Information (NCBI)).

NM_000492.4(CFTR):c.3908A>T (p.Asn1303Ile)

Gene: CFTR (CF transmembrane conductance regulator; plus strand). Cytogenetic location: 7q31.2.
Variant type: single nucleotide variant.
Coding change: c.3908A>T on transcript NM_000492.4 (MANE Select); coding-DNA position 3908, A replaced by T.
Protein change: p.Asn1303Ile; replaces asparagine 1303 with isoleucine.
Molecular consequence: missense variant.
Genome position (GRCh38, 1-based): chr7:117,652,876, A>T. VCF-style: chr7-117652876-A-T. GRCh37 (hg19) VCF-style: chr7-117292930-A-T.
Other names: short protein forms N1303I.
Identifiers: ClinVar variation 53846 (VCV000053846.21), dbSNP rs397508636, ClinGen allele CA327335.